The following is an entry in ClinVar:

ClinVar aggregate classification (germline): Conflicting classifications of pathogenicity. Review status: criteria provided, conflicting classifications (1 of 4 stars). 5 submissions from 5 submitters: Uncertain significance (4); Likely benign (1). Last evaluated 2026-05-29.

Conditions:
ZNF469-related disorder. Also called: ZNF469-related condition.
Cardiovascular phenotype. Identifiers: MedGen CN230736.

Allele frequency attached by ClinVar (database versions not stated): gnomAD 0.00001; gnomAD exomes 0.00001 and 0.00002.
gnomAD v4.1: 36 of 1,549,578 alleles (0.0023%); highest among the groups gnomAD compares: South Asian, 0.0059%; no homozygotes.

Submissions (5):

PreventionGenetics, part of Exact Sciences
Classification: Uncertain significance for ZNF469-related condition. Last evaluated: 2026-05-29. Review status: criteria provided, single submitter. Criteria: ACMG Guidelines, 2015. Collection method: clinical testing. Allele origin: germline.
Comment: The ZNF469 c.6250G>A variant is predicted to result in the amino acid substitution p.Ala2084Thr. To our knowledge, this variant has not been reported in the literature. This variant is reported in 0.0041% of alleles in individuals of Latino descent in gnomAD. At this time, the clinical significance of this variant is uncertain due to the absence of conclusive functional and genetic evidence.

Ambry Genetics
Classification: Likely benign for Cardiovascular phenotype. Last evaluated: 2025-05-27. Review status: criteria provided, single submitter. Criteria: Ambry Variant Classification Scheme 2023. Collection method: clinical testing. Allele origin: germline.

Women's Health and Genetics/Laboratory Corporation of America, LabCorp
Classification: Uncertain significance. Last evaluated: 2024-12-10. Review status: criteria provided, single submitter. Criteria: LabCorp Variant Classification Summary - May 2015. Collection method: clinical testing. Allele origin: germline.
Comment: Variant summary: ZNF469 c.6334G>A (p.Ala2112Thr) results in a non-conservative amino acid change in the encoded protein sequence. Two of three in-silico tools predict a benign effect of the variant on protein function. The variant allele was found at a frequency of 1.4e-05 in 146258 control chromosomes. The available data on variant occurrences in the general population are insufficient to allow any conclusion about variant significance. To our knowledge, no occurrence of c.6334G>A in individuals affected with Brittle cornea syndrome 1 and no experimental evidence demonstrating its impact on protein function have been reported. ClinVar contains an entry for this variant (Variation ID: 1300573). Based on the evidence outlined above, the variant was classified as uncertain significance.

Labcorp Genetics (formerly Invitae), Labcorp
Classification: Uncertain significance. Last evaluated: 2022-01-04. Review status: criteria provided, single submitter. Criteria: Invitae Variant Classification Sherloc (09022015). Collection method: clinical testing. Allele origin: germline.
Comment: This sequence change replaces alanine, which is neutral and non-polar, with threonine, which is neutral and polar, at codon 2084 of the ZNF469 protein (p.Ala2084Thr). The frequency data for this variant in the population databases is considered unreliable, as metrics indicate poor data quality at this position in the gnomAD database. This variant has not been reported in the literature in individuals affected with ZNF469-related conditions. Algorithms developed to predict the effect of missense changes on protein structure and function output the following: SIFT: "Tolerated"; PolyPhen-2: "Benign"; Align-GVGD: "Class C0". The threonine amino acid residue is found in multiple mammalian species, which suggests that this missense change does not adversely affect protein function. In summary, the available evidence is currently insufficient to determine the role of this variant in disease. Therefore, it has been classified as a Variant of Uncertain Significance.

GeneDx
Classification: Uncertain significance. Last evaluated: 2021-09-29. Review status: criteria provided, single submitter. Criteria: GeneDx Variant Classification Process June 2021. Collection method: clinical testing. Allele origin: germline. Affected: yes.
Comment: Not observed at significant frequency in large population cohorts (Lek et al., 2016); In silico analysis supports that this missense variant does not alter protein structure/function; Has not been previously published as pathogenic or benign to our knowledge

NM_001367624.2(ZNF469):c.6334G>A (p.Ala2112Thr)

Gene: ZNF469 (zinc finger protein 469; plus strand). Cytogenetic location: 16q24.2.
Variant type: single nucleotide variant.
Coding change: c.6334G>A on transcript NM_001367624.2 (MANE Select); coding-DNA position 6334, G replaced by A.
Protein change: p.Ala2112Thr; replaces alanine 2112 with threonine.
Molecular consequence: missense variant.
Genome position (GRCh38, 1-based): chr16:88,433,804, G>A. VCF-style: chr16-88433804-G-A. GRCh37 (hg19) VCF-style: chr16-88500212-G-A.
Other names: NM_001127464.1:c.6250G>A; NM_001127464.2:c.6250G>A; short protein forms A2112T.
Identifiers: ClinVar variation 1300573 (VCV001300573.8), dbSNP rs1468228702, ClinGen allele CA397105424.
Genomic context (GRCh38, chr16:88,433,804, plus strand): 5'-CTGAACAAGCCACTGCTGGCCACAGGGGATAGCCCAGCACCCTCTGTCGGGGACCTGGCC[G>A]CCTGCGCCCCCTCACCCACTTCAGCCGCCCACATGCCCTGCAGCCTTGGGCCCCTGCCCC-3'
Protein context (NP_001354553.1, residues 2102-2122): SPAPSVGDLA[Ala2112Thr]CAPSPTSAAH